The following is an entry in ClinVar:

ClinVar aggregate classification (germline): Uncertain significance (1 of 4 stars; one submission).

gnomAD v4.1: 1 of 152,442 alleles (0.00066%); highest among the groups gnomAD compares: Non-Finnish European, 0.0015%; no homozygotes.

Submission:

GeneDx
Classification: Uncertain significance. Last evaluated: 2026-02-23. Review status: criteria provided, single submitter. Criteria: GeneDx Variant Classification Process June 2021. Collection method: clinical testing. Allele origin: germline.
Comment: No data available from control populations to assess the frequency of this variant; In silico analysis supports a deleterious effect on splicing; Has not been previously published as pathogenic or benign to our knowledge

NM_022787.4(NMNAT1):c.-57+1G>C

Genes: NMNAT1 (nicotinamide nucleotide adenylyltransferase 1; plus strand), LOC126805613 (BRD4-independent group 4 enhancer GRCh37_chr1:10002582-10003781; plus strand). Cytogenetic location: 1p36.22.
Variant type: single nucleotide variant.
Coding change: c.-57+1G>C on transcript NM_022787.4 (MANE Select); the canonical splice donor site of the intron after 57 bases upstream of the start codon, G replaced by C.
Molecular consequence: splice donor variant. On other transcripts: intron variant (1).
Genome position (GRCh38, 1-based): chr1:9,943,516, G>C. VCF-style: chr1-9943516-G-C. GRCh37 (hg19) VCF-style: chr1-10003574-G-C.
Other names: c.-57+491G>C (NM_001297778.1); c.-57+1G>C (NM_001297779.2).
Identifiers: ClinVar variation 4976394 (VCV004976394.1).